The following is an entry in ClinVar:

NM_133261.3(GIPC3):c.821C>T (p.Ala274Val)

Gene: GIPC3 (GIPC PDZ domain containing family member 3; plus strand). Cytogenetic location: 19p13.3.
Variant type: single nucleotide variant.
Coding change: c.821C>T on transcript NM_133261.3 (MANE Select); coding-DNA position 821, C replaced by T.
Protein change: p.Ala274Val; replaces alanine 274 with valine.
Molecular consequence: missense variant.
Genome position (GRCh38, 1-based): chr19:3,590,072, C>T. VCF-style: chr19-3590072-C-T. GRCh37 (hg19) VCF-style: chr19-3590070-C-T.
Other names: short protein forms A274V.
Identifiers: ClinVar variation 517347 (VCV000517347.17), dbSNP rs149028750, ClinGen allele CA9080605.

ClinVar aggregate classification (germline): Conflicting classifications of pathogenicity. Review status: criteria provided, conflicting classifications (1 of 4 stars). 6 submissions from 6 submitters: Uncertain significance (3); Likely benign (3). Last evaluated 2026-03-13.

Conditions:
Inborn genetic diseases. Identifiers: MedGen C0950123, MeSH D030342.
GIPC3-related disorder. Also called: GIPC3-related condition.

Allele frequency attached by ClinVar (database versions not stated): ESP Exome Variant Server 0.00008; 1000 Genomes Project 30x 0.00031; 1000 Genomes Project 0.00040.
gnomAD v4.1: 66 of 1,611,460 alleles (0.0041%); highest among the groups gnomAD compares: Middle Eastern, 0.46%; no homozygotes.

Submissions (6):

PreventionGenetics, part of Exact Sciences
Classification: Uncertain significance for GIPC3-related condition. Last evaluated: 2026-03-13. Review status: criteria provided, single submitter. Criteria: ACMG Guidelines, 2015. Collection method: clinical testing. Allele origin: germline.
Comment: The GIPC3 c.821C>T variant is predicted to result in the amino acid substitution p.Ala274Val. To our knowledge, this variant has not been reported in the literature. This variant is reported in 0.0066% of alleles in individuals of South Asian descent in gnomAD. At this time, the clinical significance of this variant is uncertain due to the absence of conclusive functional and genetic evidence.

Ambry Genetics
Classification: Likely benign for Inborn genetic diseases. Last evaluated: 2025-08-22. Review status: criteria provided, single submitter. Criteria: Ambry Variant Classification Scheme 2023. Collection method: clinical testing. Allele origin: germline.

Labcorp Genetics (formerly Invitae), Labcorp
Classification: Uncertain significance. Last evaluated: 2024-02-17. Review status: criteria provided, single submitter. Criteria: Invitae Variant Classification Sherloc (09022015). Collection method: clinical testing. Allele origin: germline.
Comment: This sequence change replaces alanine, which is neutral and non-polar, with valine, which is neutral and non-polar, at codon 274 of the GIPC3 protein (p.Ala274Val). This variant is present in population databases (rs149028750, gnomAD 0.007%). This variant has not been reported in the literature in individuals affected with GIPC3-related conditions. ClinVar contains an entry for this variant (Variation ID: 517347). Advanced modeling of protein sequence and biophysical properties (such as structural, functional, and spatial information, amino acid conservation, physicochemical variation, residue mobility, and thermodynamic stability) performed at Invitae indicates that this missense variant is not expected to disrupt GIPC3 protein function with a negative predictive value of 80%. In summary, the available evidence is currently insufficient to determine the role of this variant in disease. Therefore, it has been classified as a Variant of Uncertain Significance.

Blueprint Genetics
Classification: Uncertain significance. Last evaluated: 2021-06-11. Review status: criteria provided, single submitter. Criteria: ACMG Guidelines, 2015. Collection method: clinical testing. Allele origin: germline.

GeneDx
Classification: Likely benign. Last evaluated: 2019-10-17. Review status: criteria provided, single submitter. Criteria: GeneDx Variant Classification Process June 2021. Collection method: clinical testing. Allele origin: germline. Affected: yes.

Laboratory for Molecular Medicine, Mass General Brigham Personalized Medicine
Classification: Likely benign. Last evaluated: 2017-04-03. Review status: criteria provided, single submitter. Criteria: LMM Criteria. Collection method: clinical testing. Allele origin: germline. Observed: 2 variant alleles.
Comment: p.Ala274Val in exon 6 of GIPC3: This variant is not expected to have clinical si gnificance due to a lack of conservation across species, including mammals. Of n ote, >10 mammals have a valine (Val) at this position despite high nearby amino acid conservation. In addition, computational prediction tools do not suggest a high likelihood of impact to the protein. It has also been identified in 4/54114 European chromosomes by the Exome Aggregation Consortium (ExAC; dbSNP rs149028750).